The following is an entry in ClinVar:

ClinVar aggregate classification (germline): Likely pathogenic. Review status: criteria provided, multiple submitters, no conflicts (2 of 4 stars). 3 submissions from 3 submitters: Likely pathogenic (3). Last evaluated 2025-11-20.

Conditions:
Fanconi anemia complementation group J. Also called: BRIP1-Related Fanconi Anemia. Identifiers: Orphanet 84, MedGen C1836860, MONDO:0012187, OMIM 609054.
Familial cancer of breast. Also called: BREAST CANCER, FAMILIAL; Hereditary breast cancer; hereditary breast carcinoma. Identifiers: Orphanet 227535, MedGen C0346153, MONDO:0016419, OMIM 114480. Disease mechanism: loss of function.
Familial ovarian cancer. Identifiers: MedGen C5679802, MONDO:0016248.

Submissions (3):

Myriad Genetics, Inc.
Classification: Likely pathogenic for Familial ovarian cancer. Last evaluated: 2025-11-20. Review status: criteria provided, single submitter. Criteria: Myriad Autosomal Dominant, Autosomal Recessive and X-Linked Classification Criteria (2023). Collection method: clinical testing. Allele origin: unknown.
Comment: This variant is considered likely pathogenic. This variant occurs within a consensus splice junction and is predicted to result in abnormal mRNA splicing of either an out-of-frame exon or an in-frame exon necessary for protein stability and/or normal function.

Labcorp Genetics (formerly Invitae), Labcorp
Classification: Likely pathogenic for Familial cancer of breast; Fanconi anemia complementation group J. Last evaluated: 2025-08-25. Review status: criteria provided, single submitter. Criteria: Invitae Variant Classification Sherloc (09022015). Collection method: clinical testing. Allele origin: germline.
Comment: This sequence change affects a donor splice site in intron 3 of the BRIP1 gene. It is expected to disrupt RNA splicing. Variants that disrupt the donor or acceptor splice site typically lead to a loss of protein function (PMID: 16199547), and loss-of-function variants in BRIP1 are known to be pathogenic (PMID: 16116423, 17033622, 21964575). This variant is not present in population databases (gnomAD no frequency). This variant has not been reported in the literature in individuals affected with BRIP1-related conditions. ClinVar contains an entry for this variant (Variation ID: 3760388). Algorithms developed to predict the effect of sequence changes on RNA splicing suggest that this variant may disrupt the consensus splice site. In summary, the currently available evidence indicates that the variant is pathogenic, but additional data are needed to prove that conclusively. Therefore, this variant has been classified as Likely Pathogenic.

Quest Diagnostics Nichols Institute San Juan Capistrano
Classification: Likely pathogenic. Last evaluated: 2025-04-02. Review status: criteria provided, single submitter. Criteria: Quest Diagnostics criteria. Collection method: clinical testing. Allele origin: unknown.
Comment: The BRIP1 c.205+1G>A variant disrupts a canonical splice-donor site and is predicted to interfere with normal BRIP1 mRNA splicing. This variant has not been reported in individuals with BRIP1-related conditions in the published literature. This variant has not been reported in large, multi-ethnic general populations (Genome Aggregation Database). Based on the available information, this variant is classified as likely pathogenic.

Literature cited by the submitters: PubMed 16199547 (cited by Labcorp Genetics (formerly Invitae), Labcorp); PubMed 16116423 (cited by Labcorp Genetics (formerly Invitae), Labcorp); PubMed 17033622 (cited by Labcorp Genetics (formerly Invitae), Labcorp); PubMed 21964575 (cited by Labcorp Genetics (formerly Invitae), Labcorp).

NM_032043.3(BRIP1):c.205+1G>A

Gene: BRIP1 (BRCA1 interacting DNA helicase 1; minus strand). Cytogenetic location: 17q23.2.
Variant type: single nucleotide variant.
Coding change: c.205+1G>A on transcript NM_032043.3 (MANE Select); the canonical splice donor site of the intron after coding-DNA position 205, G replaced by A.
Molecular consequence: splice donor variant.
Genome position (GRCh38, 1-based): chr17:61,859,795, C>T on the plus strand (G>A on the coding strand, the complement: BRIP1 is on the minus strand). VCF-style: chr17-61859795-C-T. GRCh37 (hg19) VCF-style: chr17-59937156-C-T.
Other names: c.205+1G>A (NM_032043.2).
Identifiers: ClinVar variation 3760388 (VCV003760388.4).